The following is an entry in ClinVar:

NM_006282.5(STK4):c.1300G>A (p.Glu434Lys)

Gene: STK4 (serine/threonine kinase 4; plus strand). Cytogenetic location: 20q13.12.
Variant type: single nucleotide variant.
Coding change: c.1300G>A on transcript NM_006282.5 (MANE Select); coding-DNA position 1300, G replaced by A.
Protein change: p.Glu434Lys; replaces glutamic acid 434 with lysine.
Molecular consequence: missense variant.
Genome position (GRCh38, 1-based): chr20:45,025,125, G>A. VCF-style: chr20-45025125-G-A. GRCh37 (hg19) VCF-style: chr20-43653766-G-A.
Other names: c.1300G>A, p.Glu434Lys (NM_001352385.2); short protein forms E434K.
Identifiers: ClinVar variation 1897056 (VCV001897056.7), dbSNP rs777926811, ClinGen allele CA9874024.

ClinVar aggregate classification (germline): Uncertain significance. Review status: criteria provided, multiple submitters, no conflicts (2 of 4 stars). 2 submissions from 2 submitters: Uncertain significance (2). Last evaluated 2025-10-02.

Conditions:
Inborn genetic diseases. Identifiers: MedGen C0950123, MeSH D030342.
Combined immunodeficiency due to STK4 deficiency (IMD110). Also called: STK4 DEFICIENCY; MST1 DEFICIENCY; T-cell immunodeficiency, recurrent infections, and autoimmunity with or without cardiac malformations. Identifiers: Orphanet 314689, MedGen C3553943, MONDO:0013934, OMIM 614868.

Allele frequency attached by ClinVar (database versions not stated): gnomAD 0.00001; gnomAD exomes 0.00001; TOPMed 0.00001; ExAC 0.00005.
gnomAD v4.1: 15 of 1,608,426 alleles (0.00093%); highest among the groups gnomAD compares: Admixed American, 0.015%; no homozygotes.

Submissions (2):

Labcorp Genetics (formerly Invitae), Labcorp
Classification: Uncertain significance for Combined immunodeficiency due to STK4 deficiency. Last evaluated: 2025-10-02. Review status: criteria provided, single submitter. Criteria: Invitae Variant Classification Sherloc (09022015). Collection method: clinical testing. Allele origin: germline.
Comment: This sequence change replaces glutamic acid, which is acidic and polar, with lysine, which is basic and polar, at codon 434 of the STK4 protein (p.Glu434Lys). This variant is present in population databases (rs777926811, gnomAD 0.02%). This variant has not been reported in the literature in individuals affected with STK4-related conditions. ClinVar contains an entry for this variant (Variation ID: 1897056). Invitae Evidence Modeling of protein sequence and biophysical properties (such as structural, functional, and spatial information, amino acid conservation, physicochemical variation, residue mobility, and thermodynamic stability) indicates that this missense variant is not expected to disrupt STK4 protein function with a negative predictive value of 95%. In summary, the available evidence is currently insufficient to determine the role of this variant in disease. Therefore, it has been classified as a Variant of Uncertain Significance.

Ambry Genetics
Classification: Uncertain significance for Inborn genetic diseases. Last evaluated: 2023-01-24. Review status: criteria provided, single submitter. Criteria: Ambry Variant Classification Scheme 2023. Collection method: clinical testing. Allele origin: germline.